The following is an entry in ClinVar:

NM_001126108.2(SLC12A3):c.1672T>C (p.Trp558Arg)

Gene: SLC12A3 (solute carrier family 12 member 3; plus strand). Cytogenetic location: 16q13.
Variant type: single nucleotide variant.
Coding change: c.1672T>C on transcript NM_001126108.2 (MANE Select); coding-DNA position 1672, T replaced by C.
Protein change: p.Trp558Arg; replaces tryptophan 558 with arginine.
Molecular consequence: missense variant.
Genome position (GRCh38, 1-based): chr16:56,884,051, T>C. VCF-style: chr16-56884051-T-C. GRCh37 (hg19) VCF-style: chr16-56917963-T-C.
Other names: c.1672T>C, p.Trp558Arg (NM_000339.3); c.1669T>C, p.Trp557Arg (NM_001126107.2, NM_001410896.1); short protein forms W558R, W557R.
Identifiers: ClinVar variation 2780347 (VCV002780347.6), dbSNP rs2543515220, ClinGen allele CA395990247.

ClinVar aggregate classification (germline): Uncertain significance. Review status: criteria provided, multiple submitters, no conflicts (2 of 4 stars). 3 submissions from 3 submitters: Uncertain significance (3). Last evaluated 2026-07-01.

Submissions (3):

CeGaT Center for Human Genetics Tuebingen
Classification: Uncertain significance. Last evaluated: 2026-07-01. Review status: criteria provided, single submitter. Criteria: CeGaT Center For Human Genetics Tuebingen Variant Classification Criteria Version 2. Collection method: clinical testing. Allele origin: germline. Affected: yes. Observed: 1 variant allele.
Comment: SLC12A3: PM2, PM3:Supporting, PP3, PP4

Women's Health and Genetics/Laboratory Corporation of America, LabCorp
Classification: Uncertain significance. Last evaluated: 2025-07-03. Review status: criteria provided, single submitter. Criteria: LabCorp Variant Classification Summary - May 2015. Collection method: clinical testing. Allele origin: germline.
Comment: Variant summary: SLC12A3 c.1672T>C (p.Trp558Arg) results in a non-conservative amino acid change in the encoded protein sequence. Algorithms developed to predict the effect of missense changes on protein structure and function all suggest that this variant is likely to be disruptive. Consensus agreement among computation tools predict no significant impact on normal splicing. However, these predictions have yet to be confirmed by functional studies. The variant was absent in 250516 control chromosomes. The available data on variant occurrences in the general population are insufficient to allow any conclusion about variant significance. c.1672T>C has been observed in at least one compound heterozygous individual affected with Gitelman syndrome (e.g. Zhang_2021). These report(s) do not provide unequivocal conclusions about association of the variant with Familial Hypokalemia-Hypomagnesemia. To our knowledge, no experimental evidence demonstrating an impact on protein function has been reported. The following publication has been ascertained in the context of this evaluation (PMID: 33996672). ClinVar contains an entry for this variant (Variation ID: 2780347). Based on the evidence outlined above, the variant was classified as uncertain significance.

Labcorp Genetics (formerly Invitae), Labcorp
Classification: Uncertain significance. Last evaluated: 2023-05-11. Review status: criteria provided, single submitter. Criteria: Invitae Variant Classification Sherloc (09022015). Collection method: clinical testing. Allele origin: germline.
Comment: In summary, the available evidence is currently insufficient to determine the role of this variant in disease. Therefore, it has been classified as a Variant of Uncertain Significance. An algorithm developed to predict the effect of missense changes on protein structure and function (PolyPhen-2) suggests that this variant is likely to be disruptive. This variant has not been reported in the literature in individuals affected with SLC12A3-related conditions. This variant is not present in population databases (gnomAD no frequency). This sequence change replaces tryptophan, which is neutral and slightly polar, with arginine, which is basic and polar, at codon 558 of the SLC12A3 protein (p.Trp558Arg).

Literature cited by the submitters: PubMed 33996672 (cited by Women's Health and Genetics/Laboratory Corporation of America, LabCorp).